The following is an entry in ClinVar:

ClinVar aggregate classification (germline): Benign/Likely benign. Review status: criteria provided, multiple submitters, no conflicts (2 of 4 stars). 5 submissions from 5 submitters: Benign (1); Likely benign (3). 1 of the submissions does not count toward it. Last evaluated 2026-01-24.

Conditions:
PHKA2-related disorder. Also called: PHKA2-related condition.
Inborn genetic diseases. Identifiers: MedGen C0950123, MeSH D030342.
Glycogen storage disease IXa1. Also called: GLYCOGEN STORAGE DISEASE VIII; GSD VIII; Glycogen storage disease 8; LIVER GLYCOGENOSIS, X-LINKED, TYPE I. Identifiers: Orphanet 264580, MedGen C3694531, MONDO:0010598, OMIM 306000.

Allele frequency attached by ClinVar (database versions not stated): ESP Exome Variant Server 0.00009; gnomAD exomes 0.00019 and 0.00044; ExAC 0.00024; gnomAD 0.00035 and 0.00037; TOPMed 0.00045.

Submissions (5):

Labcorp Genetics (formerly Invitae), Labcorp
Classification: Benign for Glycogen storage disease IXa1. Last evaluated: 2026-01-24. Review status: criteria provided, single submitter. Criteria: Invitae Variant Classification Sherloc (09022015). Collection method: clinical testing. Allele origin: germline.

Ambry Genetics
Classification: Likely benign for Inborn genetic diseases. Last evaluated: 2023-12-30. Review status: criteria provided, single submitter. Criteria: Ambry Variant Classification Scheme 2023. Collection method: clinical testing. Allele origin: germline.

CeGaT Center for Human Genetics Tuebingen
Classification: Likely benign. Last evaluated: 2022-12-01. Review status: criteria provided, single submitter. Criteria: CeGaT Center For Human Genetics Tuebingen Variant Classification Criteria Version 2. Collection method: clinical testing. Allele origin: germline. Affected: yes. Observed: 1 variant allele.
Comment: PHKA2: BP4, BS2; PHKA2-AS1: BS2

GeneDx
Classification: Likely benign. Last evaluated: 2017-02-16. Review status: criteria provided, single submitter. Criteria: GeneDx Variant Classification (06012015). Collection method: clinical testing. Allele origin: germline. Affected: yes.
Comment: This variant is considered likely benign or benign based on one or more of the following criteria: it is a conservative change, it occurs at a poorly conserved position in the protein, it is predicted to be benign by multiple in silico algorithms, and/or has population frequency not consistent with disease.

PreventionGenetics, part of Exact Sciences
Classification: Likely benign for PHKA2-related condition. Last evaluated: 2022-11-29. Review status: no assertion criteria provided. Collection method: clinical testing. Allele origin: germline. Not counted in ClinVar's aggregate classification.
Comment: This variant is classified as likely benign based on ACMG/AMP sequence variant interpretation guidelines (Richards et al. 2015 PMID: 25741868, with internal and published modifications).

NM_000292.3(PHKA2):c.3509T>C (p.Met1170Thr)

Genes: PHKA2 (phosphorylase kinase regulatory subunit alpha 2; minus strand), PHKA2-AS1 (PHKA2 antisense RNA 1; plus strand). Cytogenetic location: Xp22.13.
Variant type: single nucleotide variant.
Coding change: c.3509T>C on transcript NM_000292.3 (MANE Select); coding-DNA position 3509, T replaced by C.
Protein change: p.Met1170Thr; replaces methionine 1170 with threonine.
Molecular consequence: missense variant. On other transcripts: non-coding transcript variant (1).
Genome position (GRCh38, 1-based): chrX:18,894,232, A>G on the plus strand (T>C on the coding strand, the complement: PHKA2 is on the minus strand). VCF-style: chrX-18894232-A-G. GRCh37 (hg19) VCF-style: chrX-18912350-A-G.
Other names: short protein forms M1170T.
Identifiers: ClinVar variation 507443 (VCV000507443.31), dbSNP rs150445034, ClinGen allele CA10361289.